The following is an entry in ClinVar:

NM_175914.5(HNF4A):c.50-3461G>A

Gene: HNF4A (hepatocyte nuclear factor 4 alpha; plus strand). Cytogenetic location: 20q13.12.
Variant type: single nucleotide variant.
Coding change: c.50-3461G>A on transcript NM_175914.5 (MANE Select); 3461 bases into the intron before coding-DNA position 50, G replaced by A.
Molecular consequence: intron variant. On other transcripts: missense variant (1).
Genome position (GRCh38, 1-based): chr20:44,402,597, G>A. VCF-style: chr20-44402597-G-A. GRCh37 (hg19) VCF-style: chr20-43031237-G-A.
Other names: c.47G>A, p.Arg16Gln (NM_001258355.2); c.41-3461G>A (NM_001287182.2, NM_001287183.2, NM_001287184.2); c.50-3461G>A (NM_001030003.3, NM_001030004.3); c.115+1110G>A (NM_178849.3, NM_000457.6, NM_178850.3); short protein forms R16Q.
Identifiers: ClinVar variation 4981231 (VCV004981231.1).

ClinVar aggregate classification (germline): Uncertain significance (1 of 4 stars; one submission).

Conditions:
HNF4A-related disorder. Also called: HNF4A-related condition.

gnomAD v4.1: 56 of 1,365,822 alleles (0.0041%); highest among the groups gnomAD compares: Admixed American, 0.015%; no homozygotes.

Submission:

PreventionGenetics, part of Exact Sciences
Classification: Uncertain significance for HNF4A-related condition. Last evaluated: 2024-12-31. Review status: criteria provided, single submitter. Criteria: ACMG Guidelines, 2015. Collection method: clinical testing. Allele origin: germline.
Comment: The HNF4A c.47G>A variant is predicted to result in the amino acid substitution p.Arg16Gln. To our knowledge, this variant has not been reported in the literature. This variant is reported in 0.0058% of alleles in individuals of Latino descent in gnomAD. At this time, the clinical significance of this variant is uncertain due to the absence of conclusive functional and genetic evidence.